The following is an entry in ClinVar:

ClinVar aggregate classification (germline): Uncertain significance (1 of 4 stars; one submission).

Submission:

Labcorp Genetics (formerly Invitae), Labcorp
Classification: Uncertain significance. Last evaluated: 2022-09-27. Review status: criteria provided, single submitter. Criteria: Invitae Variant Classification Sherloc (09022015). Collection method: clinical testing. Allele origin: germline.
Comment: This sequence change affects an acceptor splice site in intron 2 of the TNNT3 gene. It is expected to disrupt RNA splicing. Variants that disrupt the donor or acceptor splice site typically lead to a loss of protein function (PMID: 16199547), however the current clinical and genetic evidence is not sufficient to establish whether loss-of-function variants in TNNT3 cause disease. This variant is not present in population databases (gnomAD no frequency). This variant has not been reported in the literature in individuals affected with TNNT3-related conditions. Algorithms developed to predict the effect of sequence changes on RNA splicing suggest that this variant may disrupt the consensus splice site. In summary, the available evidence is currently insufficient to determine the role of this variant in disease. Therefore, it has been classified as a Variant of Uncertain Significance.

Literature cited by the submitters: PubMed 16199547.

NM_006757.4(TNNT3):c.18-1G>T

Gene: TNNT3 (troponin T3, fast skeletal type; plus strand). Cytogenetic location: 11p15.5.
Variant type: single nucleotide variant.
Coding change: c.18-1G>T on transcript NM_006757.4 (MANE Select); the canonical splice acceptor site of the intron before coding-DNA position 18, G replaced by T.
Molecular consequence: splice acceptor variant. On other transcripts: intron variant (2).
Genome position (GRCh38, 1-based): chr11:1,923,047, G>T. VCF-style: chr11-1923047-G-T. GRCh37 (hg19) VCF-style: chr11-1944277-G-T.
Other names: c.18-1G>T (NM_001042780.3, NM_001042782.3, NM_001367845.1 and 11 more transcripts); c.-99+156G>T (NM_001367851.1); c.-117+156G>T (NM_001367852.1).
Identifiers: ClinVar variation 2032832 (VCV002032832.4), dbSNP rs2494335665, ClinGen allele CA379093655.